The following is an entry in ClinVar:

NM_020843.4(SCAPER):c.2605A>T (p.Lys869Ter)

Gene: SCAPER (S-phase cyclin A associated protein in the ER; minus strand). Cytogenetic location: 15q24.3.
Variant type: single nucleotide variant.
Coding change: c.2605A>T on transcript NM_020843.4 (MANE Select); coding-DNA position 2605, A replaced by T.
Protein change: p.Lys869Ter; replaces lysine 869 with a stop codon.
Molecular consequence: nonsense. On other transcripts: non-coding transcript variant (1).
Genome position (GRCh38, 1-based): chr15:76,665,693, T>A on the plus strand (A>T on the coding strand, the complement: SCAPER is on the minus strand). VCF-style: chr15-76665693-T-A. GRCh37 (hg19) VCF-style: chr15-76958034-T-A.
Other names: c.2623A>T (NM_001353009.1); c.1867A>T, p.Lys623Ter (NM_001145923.2); c.2623A>T, p.Lys875Ter (NM_001353009.2); c.2203A>T, p.Lys735Ter (NM_001353010.2, NM_001353012.2); c.2221A>T, p.Lys741Ter (NM_001353011.2); short protein forms K623*, K735*, K741*, K869*, K875*.
Identifiers: ClinVar variation 4087726 (VCV004087726.3).

ClinVar aggregate classification (germline): Pathogenic/Likely pathogenic. Review status: criteria provided, multiple submitters, no conflicts (2 of 4 stars). 3 submissions from 3 submitters: Pathogenic (1); Likely pathogenic (2). Last evaluated 2026-03-10.

Conditions:
Intellectual developmental disorder and retinitis pigmentosa; IDDRP. Also called: INTELLECTUAL DEVELOPMENTAL DISORDER AND RETINITIS PIGMENTOSA. Identifiers: MedGen C4748658, MONDO:0032594, OMIM 618195.
SCAPER-related disorder. Also called: SCAPER-related condition.

gnomAD v4.1: 57 of 1,585,038 alleles (0.0036%); highest among the groups gnomAD compares: Non-Finnish European, 0.0045%; no homozygotes.

Submissions (3):

PreventionGenetics, part of Exact Sciences
Classification: Likely pathogenic for SCAPER-related condition. Last evaluated: 2026-03-10. Review status: criteria provided, single submitter. Criteria: ACMG Guidelines, 2015. Collection method: clinical testing. Allele origin: germline.
Comment: The SCAPER c.2623A>T variant is predicted to result in premature protein termination (p.Lys875*). This variant has been reported in a cohort study of syndromic retinal diseases (Described as p.Lys869*, Table S7, Perea-Romero et al. 2021. PubMed ID: 34448047). This variant is reported in 0.0075% of alleles in individuals of European (Non-Finnish) descent in gnomAD. Nonsense variants in SCAPER are expected to be pathogenic. This variant is interpreted as likely pathogenic.

Department of Genetics, HCU Lozano Blesa
Classification: Likely pathogenic for Intellectual developmental disorder and retinitis pigmentosa; IDDRP. Last evaluated: 2025-08-05. Review status: criteria provided, single submitter. Criteria: ACMG Guidelines 2015. Collection method: clinical testing. Allele origin: germline. Inheritance: Autosomal recessive inheritance. Affected: yes. Observed: 1 variant allele, 1 homozygote.
Comment: The c.2605A>T (p.Lys869*) variant in the SCAPER gene (NM_020843.2) should be classified as a likely pathogenic variant based on the following criteria (ACMG): - It is a nonsense variant that generates a premature stop codon and the generation of a truncated protein, with loss of protein function being a known disease mechanism (PVS1 criterion). - The variant is not reported in population databases (GnomAD) (PM2 criterion).

Blueprint Genetics
Classification: Pathogenic for SCAPER-related disorders. Last evaluated: 2022-10-14. Review status: criteria provided, single submitter. Criteria: ACMG Guidelines, 2015. Collection method: clinical testing. Allele origin: germline. Affected: yes. Observed: 5 variant alleles.